The following is an entry in ClinVar:

NM_006031.6(PCNT):c.4478dup (p.Glu1494fs)

Gene: PCNT (pericentrin; plus strand). Cytogenetic location: 21q22.3.
Variant type: Duplication.
Coding change: c.4478dup on transcript NM_006031.6 (MANE Select); coding-DNA position 4478, one base duplicated (A; older notation c.4478dupA).
Protein change: p.Glu1494fs; shifts the reading frame from glutamic acid 1494.
Molecular consequence: frameshift variant.
Genome position (GRCh38, 1-based): chr21:46,398,045, A duplicated. VCF-style (leftmost placement, unchanged base first): chr21-46398044-G-GA. GRCh37 (hg19) VCF-style: chr21-47817958-G-GA.
Other names: c.4124dup, p.Glu1376fs (NM_001315529.2); short protein forms E1376fs, E1494fs.
Identifiers: ClinVar variation 2826345 (VCV002826345.3), dbSNP rs2518617458, ClinGen allele CA2739267767.

ClinVar aggregate classification (germline): Pathogenic (1 of 4 stars; one submission).

Submission:

Labcorp Genetics (formerly Invitae), Labcorp
Classification: Pathogenic. Last evaluated: 2023-01-17. Review status: criteria provided, single submitter. Criteria: Invitae Variant Classification Sherloc (09022015). Collection method: clinical testing. Allele origin: germline.
Comment: This variant is not present in population databases (gnomAD no frequency). This sequence change creates a premature translational stop signal (p.Glu1494Glyfs*37) in the PCNT gene. It is expected to result in an absent or disrupted protein product. Loss-of-function variants in PCNT are known to be pathogenic (PMID: 18174396, 22821869). For these reasons, this variant has been classified as Pathogenic. This variant has not been reported in the literature in individuals affected with PCNT-related conditions.

Literature cited by the submitters: PubMed 18174396; PubMed 22821869.